The following is an entry in ClinVar:

NM_001110556.2(FLNA):c.910T>G (p.Phe304Val)

Gene: FLNA (filamin A; minus strand). Cytogenetic location: Xq28.
Variant type: single nucleotide variant.
Coding change: c.910T>G on transcript NM_001110556.2 (MANE Select); coding-DNA position 910, T replaced by G.
Protein change: p.Phe304Val; replaces phenylalanine 304 with valine.
Molecular consequence: missense variant.
Genome position (GRCh38, 1-based): chrX:154,366,809, A>C on the plus strand (T>G on the coding strand, the complement: FLNA is on the minus strand). VCF-style: chrX-154366809-A-C. GRCh37 (hg19) VCF-style: chrX-153595177-A-C.
Other names: c.910T>G, p.Phe304Val (NM_001456.4); short protein forms F304V.
Identifiers: ClinVar variation 2925256 (VCV002925256.4), dbSNP rs2522762517, ClinGen allele CA415247938.

ClinVar aggregate classification (germline): Uncertain significance (1 of 4 stars; one submission).

Conditions:
Oto-palato-digital syndrome, type II (OPD2). Also called: Otopalatodigital Syndrome Type 2 (FLNA-OPD2); FACIOPALATOOSSEOUS SYNDROME; OPD II SYNDROME; Otopalatodigital Syndrome, Type II. Identifiers: Orphanet 669, Orphanet 90652, MedGen C1844696, MONDO:0010571, OMIM 304120.
Heterotopia, periventricular, X-linked dominant (PVNH1). Also called: PERIVENTRICULAR NODULAR HETEROTOPIA 1; X-linked periventricular heterotopia; PERIVENTRICULAR NODULAR HETEROTOPIA 4; HETEROTOPIA, PERIVENTRICULAR, 1. Identifiers: Orphanet 2149, Orphanet 82004, MedGen C1848213, MONDO:0010233, OMIM 300049.
Melnick-Needles syndrome (MNS). Also called: Melnick-Needles Syndrome (FLNA-MNS); MELNICK-NEEDLES OSTEODYSPLASTY; OSTEODYSPLASTY OF MELNICK AND NEEDLES. Identifiers: Orphanet 2484, MedGen C0025237, MONDO:0010650, OMIM 309350.
Frontometaphyseal dysplasia (FMD1). Identifiers: Orphanet 1826, MedGen C0265293, MONDO:0015942.

Allele frequency attached by ClinVar (database versions not stated): gnomAD exomes below 0.00001.
gnomAD v4.1: 2 of 1,210,830 alleles (0.00017%); highest among the groups gnomAD compares: Non-Finnish European, 0.00022%; no homozygotes.

Submissions (2):

Labcorp Genetics (formerly Invitae), Labcorp
Classification: Uncertain significance for Oto-palato-digital syndrome, type II; Heterotopia, periventricular, X-linked dominant; Frontometaphyseal dysplasia; Melnick-Needles syndrome. Last evaluated: 2023-12-01. Review status: criteria provided, single submitter. Criteria: Invitae Variant Classification Sherloc (09022015). Collection method: clinical testing. Allele origin: germline.
Comment: This sequence change replaces phenylalanine, which is neutral and non-polar, with valine, which is neutral and non-polar, at codon 304 of the FLNA protein (p.Phe304Val). This variant is not present in population databases (gnomAD no frequency). This variant has not been reported in the literature in individuals affected with FLNA-related conditions. Advanced modeling of protein sequence and biophysical properties (such as structural, functional, and spatial information, amino acid conservation, physicochemical variation, residue mobility, and thermodynamic stability) has been performed at Invitae for this missense variant, however the output from this modeling did not meet the statistical confidence thresholds required to predict the impact of this variant on FLNA protein function. In summary, the available evidence is currently insufficient to determine the role of this variant in disease. Therefore, it has been classified as a Variant of Uncertain Significance.

Dr. Peter K. Rogan Lab, Western University
No classification provided (evidence only). Condition: Thyroid cancer, nonmedullary, 1. Review status: no classification provided. Collection method: in vitro. Allele origin: not applicable. Functional consequence: retained intron. Not counted in ClinVar's aggregate classification.